The following is an entry in ClinVar:

NM_031892.3(SH3KBP1):c.1144C>T (p.Pro382Ser)

Gene: SH3KBP1 (SH3 domain containing kinase binding protein 1; minus strand). Cytogenetic location: Xp22.12.
Variant type: single nucleotide variant.
Coding change: c.1144C>T on transcript NM_031892.3 (MANE Select); coding-DNA position 1144, C replaced by T.
Protein change: p.Pro382Ser; replaces proline 382 with serine.
Molecular consequence: missense variant.
Genome position (GRCh38, 1-based): chrX:19,588,797, G>A on the plus strand (C>T on the coding strand, the complement: SH3KBP1 is on the minus strand). VCF-style: chrX-19588797-G-A. GRCh37 (hg19) VCF-style: chrX-19606915-G-A.
Other names: c.1033C>T, p.Pro345Ser (NM_001024666.3); c.430C>T, p.Pro144Ser (NM_001184960.2, NM_001353897.2); c.1144C>T, p.Pro382Ser (NM_001353890.2); c.1219C>T, p.Pro407Ser (NM_001353891.2, NM_001353892.2); c.1042C>T, p.Pro348Ser (NM_001353893.2, NM_001353894.2); c.1099C>T, p.Pro367Ser (NM_001353895.2); c.1276C>T, p.Pro426Ser (NM_001410756.1, NM_001410757.1); c.967C>T, p.Pro323Ser (NM_001410758.1); short protein forms P144S, P367S, P407S, P345S, P348S, P382S, P426S, P323S.
Identifiers: ClinVar variation 2104199 (VCV002104199.4), dbSNP rs2519255866, ClinGen allele CA412499741.

ClinVar aggregate classification (germline): Uncertain significance (1 of 4 stars; one submission).

Submission:

Labcorp Genetics (formerly Invitae), Labcorp
Classification: Uncertain significance. Last evaluated: 2022-02-28. Review status: criteria provided, single submitter. Criteria: Invitae Variant Classification Sherloc (09022015). Collection method: clinical testing. Allele origin: germline.
Comment: Algorithms developed to predict the effect of missense changes on protein structure and function (SIFT, PolyPhen-2, Align-GVGD) all suggest that this variant is likely to be tolerated. This variant has not been reported in the literature in individuals affected with SH3KBP1-related conditions. This variant is not present in population databases (gnomAD no frequency). This sequence change replaces proline, which is neutral and non-polar, with serine, which is neutral and polar, at codon 382 of the SH3KBP1 protein (p.Pro382Ser). In summary, the available evidence is currently insufficient to determine the role of this variant in disease. Therefore, it has been classified as a Variant of Uncertain Significance.